The following is an entry in ClinVar:

NM_017646.6(TRIT1):c.682T>C (p.Trp228Arg)

Gene: TRIT1 (tRNA isopentenyltransferase 1; minus strand). Cytogenetic location: 1p34.2.
Variant type: single nucleotide variant.
Coding change: c.682T>C on transcript NM_017646.6 (MANE Select); coding-DNA position 682, T replaced by C.
Protein change: p.Trp228Arg; replaces tryptophan 228 with arginine.
Molecular consequence: missense variant.
Genome position (GRCh38, 1-based): chr1:39,850,140, A>G on the plus strand (T>C on the coding strand, the complement: TRIT1 is on the minus strand). VCF-style: chr1-39850140-A-G. GRCh37 (hg19) VCF-style: chr1-40315812-A-G.
Other names: c.682T>C, p.Trp228Arg (NM_001312691.2); c.442T>C, p.Trp148Arg (NM_001312692.2); short protein forms W148R, W228R.
Identifiers: ClinVar variation 4077264 (VCV004077264.1).

ClinVar aggregate classification (germline): Uncertain significance (1 of 4 stars; one submission).

gnomAD v4.1: 3 of 1,614,070 alleles (0.00019%); highest among the groups gnomAD compares: African/African-American, 0.0013%; no homozygotes.

Submission:

GeneDx
Classification: Uncertain significance. Last evaluated: 2025-02-26. Review status: criteria provided, single submitter. Criteria: GeneDx Variant Classification Process June 2021. Collection method: clinical testing. Allele origin: germline. Affected: yes.
Comment: Not observed at significant frequency in large population cohorts (gnomAD); In silico analysis supports that this missense variant has a deleterious effect on protein structure/function; Has not been previously published as pathogenic or benign to our knowledge